The following is an entry in ClinVar:

NM_006767.4(LZTR1):c.1855C>G (p.Arg619Gly)

Gene: LZTR1 (leucine zipper like post translational regulator 1; plus strand). Cytogenetic location: 22q11.21.
Variant type: single nucleotide variant.
Coding change: c.1855C>G on transcript NM_006767.4 (MANE Select); coding-DNA position 1855, C replaced by G.
Protein change: p.Arg619Gly; replaces arginine 619 with glycine.
Molecular consequence: missense variant.
Genome position (GRCh38, 1-based): chr22:20,994,939, C>G. VCF-style: chr22-20994939-C-G. GRCh37 (hg19) VCF-style: chr22-21349228-C-G.
Other names: short protein forms R619G.
Identifiers: ClinVar variation 3541536 (VCV003541536.2).

ClinVar aggregate classification (germline): Uncertain significance. Review status: criteria provided, multiple submitters, no conflicts (2 of 4 stars). 2 submissions from 2 submitters: Uncertain significance (2). Last evaluated 2025-08-18.

Conditions:
Hereditary cancer-predisposing syndrome. Also called: Hereditary Cancer Syndrome; Hereditary neoplastic syndrome; Tumor predisposition; Neoplastic Syndromes, Hereditary. Identifiers: Orphanet 140162, MedGen C0027672, MeSH D009386, MONDO:0015356.
Cardiovascular phenotype. Identifiers: MedGen CN230736.

Submissions (2):

Labcorp Genetics (formerly Invitae), Labcorp
Classification: Uncertain significance. Last evaluated: 2025-08-18. Review status: criteria provided, single submitter. Criteria: Invitae Variant Classification Sherloc (09022015). Collection method: clinical testing. Allele origin: germline.
Comment: This sequence change replaces arginine, which is basic and polar, with glycine, which is neutral and non-polar, at codon 619 of the LZTR1 protein (p.Arg619Gly). This variant is not present in population databases (gnomAD no frequency). This variant has not been reported in the literature in individuals affected with LZTR1-related conditions. ClinVar contains an entry for this variant (Variation ID: 3541536). Invitae Evidence Modeling of protein sequence and biophysical properties (such as structural, functional, and spatial information, amino acid conservation, physicochemical variation, residue mobility, and thermodynamic stability) indicates that this missense variant is not expected to disrupt LZTR1 protein function with a negative predictive value of 80%. In summary, the available evidence is currently insufficient to determine the role of this variant in disease. Therefore, it has been classified as a Variant of Uncertain Significance.

Ambry Genetics
Classification: Uncertain significance for Cardiovascular phenotype; Hereditary cancer-predisposing syndrome. Last evaluated: 2024-12-08. Review status: criteria provided, single submitter. Criteria: Ambry Variant Classification Scheme 2023. Collection method: clinical testing. Allele origin: germline.
Comment: The p.R619G variant (also known as c.1855C>G), located in coding exon 16 of the LZTR1 gene, results from a C to G substitution at nucleotide position 1855. The arginine at codon 619 is replaced by glycine, an amino acid with dissimilar properties. This amino acid position is conserved. In addition, this alteration is predicted to be tolerated by in silico analysis. Based on the available evidence, the clinical significance of this variant remains unclear.